The following is an entry in ClinVar:

NM_152424.4(AMER1):c.1973C>A (p.Pro658His)

Gene: AMER1 (APC membrane recruitment protein 1; minus strand). Cytogenetic location: Xq11.2.
Variant type: single nucleotide variant.
Coding change: c.1973C>A on transcript NM_152424.4 (MANE Select); coding-DNA position 1973, C replaced by A.
Protein change: p.Pro658His; replaces proline 658 with histidine.
Molecular consequence: missense variant.
Genome position (GRCh38, 1-based): chrX:64,191,314, G>T on the plus strand (C>A on the coding strand, the complement: AMER1 is on the minus strand). VCF-style: chrX-64191314-G-T. GRCh37 (hg19) VCF-style: chrX-63411194-G-T.
Other names: short protein forms P658H.
Identifiers: ClinVar variation 1995799 (VCV001995799.4), dbSNP rs773774270, ClinGen allele CA413305754.

ClinVar aggregate classification (germline): Uncertain significance (1 of 4 stars; one submission).

gnomAD v4.1: 6 of 1,211,493 alleles (0.0005%); highest among the groups gnomAD compares: Non-Finnish European, 0.00067%; no homozygotes.

Submission:

Labcorp Genetics (formerly Invitae), Labcorp
Classification: Uncertain significance. Last evaluated: 2022-05-17. Review status: criteria provided, single submitter. Criteria: Invitae Variant Classification Sherloc (09022015). Collection method: clinical testing. Allele origin: germline.
Comment: This sequence change replaces proline, which is neutral and non-polar, with histidine, which is basic and polar, at codon 658 of the AMER1 protein (p.Pro658His). This variant is not present in population databases (gnomAD no frequency). This variant has not been reported in the literature in individuals affected with AMER1-related conditions. Algorithms developed to predict the effect of missense changes on protein structure and function are either unavailable or do not agree on the potential impact of this missense change (SIFT: "Deleterious"; PolyPhen-2: "Probably Damaging"; Align-GVGD: "Class C0"). In summary, the available evidence is currently insufficient to determine the role of this variant in disease. Therefore, it has been classified as a Variant of Uncertain Significance.